The following is an entry in ClinVar:

NM_006231.4(POLE):c.5395G>C (p.Val1799Leu)

Gene: POLE (DNA polymerase epsilon, catalytic subunit; minus strand). Cytogenetic location: 12q24.33.
Variant type: single nucleotide variant.
Coding change: c.5395G>C on transcript NM_006231.4 (MANE Select); coding-DNA position 5395, G replaced by C.
Protein change: p.Val1799Leu; replaces valine 1799 with leucine.
Molecular consequence: missense variant.
Genome position (GRCh38, 1-based): chr12:132,639,282, C>G on the plus strand (G>C on the coding strand, the complement: POLE is on the minus strand). VCF-style: chr12-132639282-C-G. GRCh37 (hg19) VCF-style: chr12-133215868-C-G.
Other names: short protein forms V1799L.
Identifiers: ClinVar variation 4805131 (VCV004805131.1).
Genomic context (GRCh38, chr12:132,639,282, plus strand): 5'-TCACCTGGTTGTCTGCATAGATGTTGTGGTACTGGGTGATCTCCTTCACCCAGCCCACGA[C>G]CATGCTCTTCAGGATCCTGAAAGAGAAGGTGCACGACACCCTCGTACCCTCAGCCTCCCA-3'
Protein context (NP_006222.2, residues 1789-1809): SNTFRILKSM[Val1799Leu]VGWVKEITQY

ClinVar aggregate classification (germline): Uncertain significance (1 of 4 stars; one submission).

Submission:

Labcorp Genetics (formerly Invitae), Labcorp
Classification: Uncertain significance. Last evaluated: 2025-05-18. Review status: criteria provided, single submitter. Criteria: Invitae Variant Classification Sherloc (09022015). Collection method: clinical testing. Allele origin: germline.
Comment: This sequence change replaces valine, which is neutral and non-polar, with leucine, which is neutral and non-polar, at codon 1799 of the POLE protein (p.Val1799Leu). This variant is not present in population databases (gnomAD no frequency). This variant has not been reported in the literature in individuals affected with POLE-related conditions. Invitae Evidence Modeling of protein sequence and biophysical properties (such as structural, functional, and spatial information, amino acid conservation, physicochemical variation, residue mobility, and thermodynamic stability) indicates that this missense variant is not expected to disrupt POLE protein function with a negative predictive value of 80%. In summary, the available evidence is currently insufficient to determine the role of this variant in disease. Therefore, it has been classified as a Variant of Uncertain Significance.